The following is an entry in ClinVar:

NM_001256012.3(MYH10):c.541G>A (p.Gly181Ser)

Gene: MYH10 (myosin heavy chain 10; minus strand). Cytogenetic location: 17p13.1.
Variant type: single nucleotide variant.
Coding change: c.541G>A on transcript NM_001256012.3 (MANE Select); coding-DNA position 541, G replaced by A.
Protein change: p.Gly181Ser; replaces glycine 181 with serine.
Molecular consequence: missense variant.
Genome position (GRCh38, 1-based): chr17:8,577,328, C>T on the plus strand (G>A on the coding strand, the complement: MYH10 is on the minus strand). VCF-style: chr17-8577328-C-T. GRCh37 (hg19) VCF-style: chr17-8480646-C-T.
Other names: c.541G>A, p.Gly181Ser (NM_001256095.2, NM_001375266.1, NM_005964.5); short protein forms G181S.
Identifiers: ClinVar variation 3915388 (VCV003915388.2).

ClinVar aggregate classification (germline): Uncertain significance (1 of 4 stars; one submission).

Conditions:
Inborn genetic diseases. Identifiers: MedGen C0950123, MeSH D030342.

Submission:

Ambry Genetics
Classification: Uncertain significance for Inborn genetic diseases. Last evaluated: 2025-09-22. Review status: criteria provided, single submitter. Criteria: Ambry Variant Classification Scheme 2023. Collection method: clinical testing. Allele origin: germline.
Comment: The c.541G>A (p.G181S) alteration is located in exon 5 (coding exon 4) of the MYH10 gene. This alteration results from a G to A substitution at nucleotide position 541, causing the glycine (G) at amino acid position 181 to be replaced by a serine (S). This variant was not reported in population-based cohorts in the Genome Aggregation Database (gnomAD). This amino acid position is highly conserved in available vertebrate species. This alteration is predicted to be deleterious by in silico analysis. Based on insufficient or conflicting evidence, the clinical significance of this alteration remains unclear.